The following is an entry in ClinVar:

NM_000829.4(GRIA4):c.137T>C (p.Leu46Ser)

Gene: GRIA4 (glutamate ionotropic receptor AMPA type subunit 4; plus strand). Cytogenetic location: 11q22.3.
Variant type: single nucleotide variant.
Coding change: c.137T>C on transcript NM_000829.4 (MANE Select); coding-DNA position 137, T replaced by C.
Protein change: p.Leu46Ser; replaces leucine 46 with serine.
Molecular consequence: missense variant. On other transcripts: non-coding transcript variant (1).
Genome position (GRCh38, 1-based): chr11:105,612,324, T>C. VCF-style: chr11-105612324-T-C. GRCh37 (hg19) VCF-style: chr11-105483051-T-C.
Other names: c.137T>C, p.Leu46Ser (NM_001077243.3, NM_001077244.2, NM_001112812.2 and 20 more transcripts); short protein forms L46S.
Identifiers: ClinVar variation 4875389 (VCV004875389.2).
Genomic context (GRCh38, chr11:105,612,324, plus strand): 5'-TGTTTTTAATAGGTGGTCTCTTCATCCGAAACACAGATCAGGAATACACTGCTTTTCGAT[T>C]AGCAATTTTTCTTCATAACACCAGCCCCAATGCGTCGGAAGCTCCTTTTAATTTGGTACC-3'
Protein context (NP_000820.4, residues 36-56): NTDQEYTAFR[Leu46Ser]AIFLHNTSPN

ClinVar aggregate classification (germline): Uncertain significance (1 of 4 stars; one submission).

Submission:

CeGaT Center for Human Genetics Tuebingen
Classification: Uncertain significance. Last evaluated: 2026-07-01. Review status: criteria provided, single submitter. Criteria: CeGaT Center For Human Genetics Tuebingen Variant Classification Criteria Version 2. Collection method: clinical testing. Allele origin: germline. Affected: yes. Observed: 1 variant allele.
Comment: GRIA4: PM2, PP3